The following is an entry in ClinVar:

NM_015557.3(CHD5):c.2043+1G>A

Gene: CHD5 (chromodomain helicase DNA binding protein 5; minus strand). Cytogenetic location: 1p36.31.
Variant type: single nucleotide variant.
Coding change: c.2043+1G>A on transcript NM_015557.3 (MANE Select); the canonical splice donor site of the intron after coding-DNA position 2043, G replaced by A.
Molecular consequence: splice donor variant.
Genome position (GRCh38, 1-based): chr1:6,143,822, C>T on the plus strand (G>A on the coding strand, the complement: CHD5 is on the minus strand). VCF-style: chr1-6143822-C-T. GRCh37 (hg19) VCF-style: chr1-6203882-C-T.
Identifiers: ClinVar variation 3832813 (VCV003832813.2).

ClinVar aggregate classification (germline): Conflicting classifications of pathogenicity. Review status: criteria provided, conflicting classifications (1 of 4 stars). 2 submissions from 2 submitters: Likely pathogenic (1); Uncertain significance (1). Last evaluated 2025-09-05.

Conditions:
Inborn genetic diseases. Identifiers: MedGen C0950123, MeSH D030342.

Submissions (2):

GeneDx
Classification: Likely pathogenic. Last evaluated: 2025-09-05. Review status: criteria provided, single submitter. Criteria: GeneDx Variant Classification Process June 2021. Collection method: clinical testing. Allele origin: germline. Affected: yes.
Comment: Reported as a de novo variant in one individual from a cohort of patients with developmental disorders; however, this individual also harbored additional variants in genes possibly related to the phenotype (PMID: 33057194); Canonical splice site variant predicted to result in a null allele in a gene for which loss of function is a known mechanism of disease; Not observed at significant frequency in large population cohorts (gnomAD); This variant is associated with the following publications: (PMID: 33057194)

Ambry Genetics
Classification: Uncertain significance for Inborn genetic diseases. Last evaluated: 2025-02-07. Review status: criteria provided, single submitter. Criteria: Ambry Variant Classification Scheme 2023. Collection method: clinical testing. Allele origin: germline.
Comment: The c.2043+1G>A intronic alteration consists of a G to A substitution one nucleotide after coding exon 13 of the CHD5 gene. Alterations that disrupt the canonical splice site are expected to cause aberrant splicing, resulting in an abnormal protein or a transcript that is subject to nonsense-mediated mRNA decay. However, loss of function of CHD5 has not been established as a mechanism of disease. This variant was not reported in population-based cohorts in the Genome Aggregation Database (gnomAD). This nucleotide position is highly conserved in available vertebrate species. In silico splice site analysis predicts that this alteration will weaken the native splice donor site. Based on insufficient or conflicting evidence, the clinical significance of this alteration remains unclear.

Literature cited by the submitters: PubMed 33057194 (cited by Ambry Genetics).